The following is an entry in ClinVar:

NM_000094.4(COL7A1):c.6936G>T (p.Lys2312Asn)

Gene: COL7A1 (collagen type VII alpha 1 chain; minus strand). Cytogenetic location: 3p21.31.
Variant type: single nucleotide variant.
Coding change: c.6936G>T on transcript NM_000094.4 (MANE Select); coding-DNA position 6936, G replaced by T.
Protein change: p.Lys2312Asn; replaces lysine 2312 with asparagine.
Molecular consequence: missense variant.
Genome position (GRCh38, 1-based): chr3:48,572,503, C>A on the plus strand (G>T on the coding strand, the complement: COL7A1 is on the minus strand). VCF-style: chr3-48572503-C-A. GRCh37 (hg19) VCF-style: chr3-48609936-C-A.
Other names: short protein forms K2312N.
Identifiers: ClinVar variation 1451001 (VCV001451001.7), dbSNP rs933384009, ClinGen allele CA73975827.
Genomic context (GRCh38, chr3:48,572,503, plus strand): 5'-TGGGATTCCTTGGCCCCCACCAGTTGACCCCCCCTCACTGGCAGCCCCACACACACTCAC[C>A]TTCTCTCCCTTTGCTCCAGGGAGCCCGACCACAGCCTGTGGGGAATGCTAGTGAGTTTCC-3'
Protein context (NP_000085.1, residues 2302-2322): VVGLPGAKGE[Lys2312Asn]GAPGGLAGDL

ClinVar aggregate classification (germline): Uncertain significance. Review status: criteria provided, multiple submitters, no conflicts (2 of 4 stars). 2 submissions from 2 submitters: Uncertain significance (2). Last evaluated 2026-02-01.

Conditions:
Recessive dystrophic epidermolysis bullosa (RDEB). Also called: DYSTROPHIC EPIDERMOLYSIS BULLOSA, AUTOSOMAL RECESSIVE; EPIDERMOLYSIS BULLOSA DYSTROPHICA, HALLOPEAU-SIEMENS TYPE; Hallopeau-Siemens Disease; Epidermolysis Bullosa Distrophica Autosomal Recessive (RDEB); severe generalized recessive dystrophic epidermolysis bullosa; EPIDERMOLYSIS BULLOSA DYSTROPHICA, GENERALIZED SEVERE, AUTOSOMAL RECESSIVE. Identifiers: Orphanet 79408, Orphanet 79409, MedGen C0079474, MONDO:0009179, OMIM 226600.

Allele frequency attached by ClinVar (database versions not stated): gnomAD exomes 0.00001; TOPMed below 0.00001.
gnomAD v4.1: 8 of 1,613,938 alleles (0.0005%); highest among the groups gnomAD compares: Non-Finnish European, 0.00059%; no homozygotes.

Submissions (2):

Labcorp Genetics (formerly Invitae), Labcorp
Classification: Uncertain significance. Last evaluated: 2026-02-01. Review status: criteria provided, single submitter. Criteria: Invitae Variant Classification Sherloc (09022015). Collection method: clinical testing. Allele origin: germline.
Comment: This sequence change replaces lysine, which is basic and polar, with asparagine, which is neutral and polar, at codon 2312 of the COL7A1 protein (p.Lys2312Asn). This variant also falls at the last nucleotide of exon 88, which is part of the consensus splice site for this exon. This variant is not present in population databases (gnomAD no frequency). This variant has not been reported in the literature in individuals affected with COL7A1-related conditions. ClinVar contains an entry for this variant (Variation ID: 1451001). Invitae Evidence Modeling of protein sequence and biophysical properties (such as structural, functional, and spatial information, amino acid conservation, physicochemical variation, residue mobility, and thermodynamic stability) has been performed for this missense variant. However, the output from this modeling did not meet the statistical confidence thresholds required to predict the impact of this variant on COL7A1 protein function. Variants that disrupt the consensus splice site are a relatively common cause of aberrant splicing (PMID: 17576681, 9536098). Algorithms developed to predict the effect of sequence changes on RNA splicing suggest that this variant may disrupt the consensus splice site. In summary, the available evidence is currently insufficient to determine the role of this variant in disease. Therefore, it has been classified as a Variant of Uncertain Significance.

Department of Pathology and Laboratory Medicine, Sinai Health System
Classification: Uncertain significance for recessive dystrophic epidermolysis bullosa. Last evaluated: 2021-07-30. Review status: criteria provided, single submitter. Criteria: ACMG Guidelines, 2015. Collection method: research. Allele origin: germline.

Literature cited by the submitters: PubMed 17576681 (cited by Labcorp Genetics (formerly Invitae), Labcorp); PubMed 9536098 (cited by Labcorp Genetics (formerly Invitae), Labcorp).